The following is an entry in ClinVar:

NM_206937.2(LIG4):c.1426C>T (p.Arg476Trp)

Gene: LIG4 (DNA ligase 4; minus strand). Cytogenetic location: 13q33.3.
Variant type: single nucleotide variant.
Coding change: c.1426C>T on transcript NM_206937.2 (MANE Select); coding-DNA position 1426, C replaced by T.
Protein change: p.Arg476Trp; replaces arginine 476 with tryptophan.
Molecular consequence: missense variant.
Genome position (GRCh38, 1-based): chr13:108,209,843, G>A on the plus strand (C>T on the coding strand, the complement: LIG4 is on the minus strand). VCF-style: chr13-108209843-G-A. GRCh37 (hg19) VCF-style: chr13-108862191-G-A.
Other names: c.1426C>T, p.Arg476Trp (NM_001098268.2, NM_001352598.2, NM_001352599.2 and 6 more transcripts); c.1225C>T, p.Arg409Trp (NM_001330595.2); c.1462C>T, p.Arg488Trp (NM_001352604.2); short protein forms R409W, R476W, R488W.
Identifiers: ClinVar variation 1026115 (VCV001026115.6), dbSNP rs747450004, ClinGen allele CA7043691.

ClinVar aggregate classification (germline): Uncertain significance (1 of 4 stars; one submission).

Conditions:
DNA ligase IV deficiency. Identifiers: Orphanet 99812, MedGen C1847827, MONDO:0011686, OMIM 606593.

Allele frequency attached by ClinVar (database versions not stated): TOPMed 0.00001.
gnomAD v4.1: 12 of 1,614,036 alleles (0.00074%); highest among the groups gnomAD compares: East Asian, 0.0022%; no homozygotes.

Submission:

Labcorp Genetics (formerly Invitae), Labcorp
Classification: Uncertain significance for DNA ligase IV deficiency. Last evaluated: 2023-05-23. Review status: criteria provided, single submitter. Criteria: Invitae Variant Classification Sherloc (09022015). Collection method: clinical testing. Allele origin: germline.
Comment: ClinVar contains an entry for this variant (Variation ID: 1026115). This sequence change replaces arginine, which is basic and polar, with tryptophan, which is neutral and slightly polar, at codon 476 of the LIG4 protein (p.Arg476Trp). This variant is present in population databases (rs747450004, gnomAD 0.01%). This variant has not been reported in the literature in individuals affected with LIG4-related conditions. Advanced modeling of protein sequence and biophysical properties (such as structural, functional, and spatial information, amino acid conservation, physicochemical variation, residue mobility, and thermodynamic stability) performed at Invitae indicates that this missense variant is expected to disrupt LIG4 protein function. In summary, the available evidence is currently insufficient to determine the role of this variant in disease. Therefore, it has been classified as a Variant of Uncertain Significance.